The following is an entry in ClinVar:

ClinVar aggregate classification (germline): Uncertain significance (1 of 4 stars; one submission).

Submission:

CeGaT Center for Human Genetics Tuebingen
Classification: Uncertain significance. Last evaluated: 2026-03-01. Review status: criteria provided, single submitter. Criteria: CeGaT Center For Human Genetics Tuebingen Variant Classification Criteria Version 2. Collection method: clinical testing. Allele origin: germline. Affected: yes. Observed: 1 variant allele.
Comment: CENPF: PM2, BP4

NM_016343.4(CENPF):c.734A>G (p.Tyr245Cys)

Gene: CENPF (centromere protein F; plus strand). Cytogenetic location: 1q41.
Variant type: single nucleotide variant.
Coding change: c.734A>G on transcript NM_016343.4 (MANE Select); coding-DNA position 734, A replaced by G.
Protein change: p.Tyr245Cys; replaces tyrosine 245 with cysteine.
Molecular consequence: missense variant.
Genome position (GRCh38, 1-based): chr1:214,620,815, A>G. VCF-style: chr1-214620815-A-G. GRCh37 (hg19) VCF-style: chr1-214794158-A-G.
Other names: short protein forms Y245C.
Identifiers: ClinVar variation 4823543 (VCV004823543.4).